The following is an entry in ClinVar:

NM_000038.6(APC):c.8140_8141del (p.Arg2714fs)

Gene: APC (APC regulator of Wnt signaling pathway; plus strand). Cytogenetic location: 5q22.2.
Variant type: Deletion.
Coding change: c.8140_8141del on transcript NM_000038.6 (MANE Select); coding-DNA positions 8140 to 8141, 2 bases deleted (CG; older notation c.8140_8141delCG).
Protein change: p.Arg2714fs; shifts the reading frame from arginine 2714.
Molecular consequence: frameshift variant.
Genome position (GRCh38, 1-based): chr5:112,843,734-112,843,735, CG deleted; deleting any 2 consecutive bases within chr5:112,843,733-112,843,735 gives the same sequence; the c. name uses the placement nearest the transcript's 3' end. VCF-style (leftmost placement, unchanged base first): chr5-112843732-TGC-T. GRCh37 (hg19) VCF-style: chr5-112179429-TGC-T.
Other names: c.8140_8141del, p.Arg2714fs (NM_001127510.3, NM_001354895.2); c.8086_8087del, p.Arg2696fs (NM_001127511.3); c.8194_8195del, p.Arg2732fs (NM_001354896.2); c.8170_8171del, p.Arg2724fs (NM_001354897.2); c.8065_8066del, p.Arg2689fs (NM_001354898.2); c.8056_8057del, p.Arg2686fs (NM_001354899.2); c.8017_8018del, p.Arg2673fs (NM_001354900.2); c.7963_7964del, p.Arg2655fs (NM_001354901.2); and 5 more; short protein forms R2655fs, R2673fs, R2431fs, R2613fs, R2623fs, R2689fs, R2714fs, R2732fs.
Identifiers: ClinVar variation 573942 (VCV000573942.10), dbSNP rs1561620875, ClinGen allele CA891843091.

ClinVar aggregate classification (germline): Conflicting classifications of pathogenicity. Review status: criteria provided, conflicting classifications (1 of 4 stars). 2 submissions from 2 submitters: Pathogenic (1); Uncertain significance (1). Last evaluated 2019-09-15.

Conditions:
Familial adenomatous polyposis 1 (FAP1). Also called: POLYPOSIS, ADENOMATOUS INTESTINAL; FAMILIAL ADENOMATOUS POLYPOSIS 1, ATTENUATED. Identifiers: MedGen C2713442, MONDO:0021056, OMIM 175100. Disease mechanism: loss of function.
Hereditary cancer-predisposing syndrome. Also called: Neoplastic Syndromes, Hereditary; Hereditary Cancer Syndrome; Tumor predisposition; Hereditary neoplastic syndrome. Identifiers: Orphanet 140162, MedGen C0027672, MeSH D009386, MONDO:0015356.

Submissions (2):

Ambry Genetics
Classification: Pathogenic for Hereditary cancer-predisposing syndrome. Last evaluated: 2019-09-15. Review status: criteria provided, single submitter. Criteria: Ambry Variant Classification Scheme 2023. Collection method: clinical testing. Allele origin: germline.
Comment: The c.8140_8141delCG pathogenic mutation, located in coding exon 15 of the APC gene, results from a deletion of two nucleotides at nucleotide positions 8140 to 8141, causing a translational frameshift with a predicted alternate stop codon (p.R2714Yfs*18). This alteration is expected to result in loss of function by premature protein truncation. As such, this alteration is interpreted as a disease-causing mutation.

Labcorp Genetics (formerly Invitae), Labcorp
Classification: Uncertain significance for Familial adenomatous polyposis 1. Last evaluated: 2018-03-18. Review status: criteria provided, single submitter. Criteria: Invitae Variant Classification Sherloc (09022015). Collection method: clinical testing. Allele origin: germline.
Comment: This variant is not present in population databases (ExAC no frequency). This sequence change results in a premature translational stop signal in the APC gene (p.Arg2714Tyrfs*18). While this is not anticipated to result in nonsense mediated decay, it is expected to disrupt the last 130 amino acids of the APC protein. This variant has not been reported in the literature in individuals with APC-related disease. In summary, the available evidence is currently insufficient to determine the role of this variant in disease. Therefore, it has been classified as a Variant of Uncertain Significance.